The following is an entry in ClinVar:

NM_017780.4(CHD7):c.7522C>T (p.Pro2508Ser)

Gene: CHD7 (chromodomain helicase DNA binding protein 7; plus strand). Cytogenetic location: 8q12.2.
Variant type: single nucleotide variant.
Coding change: c.7522C>T on transcript NM_017780.4 (MANE Select); coding-DNA position 7522, C replaced by T.
Protein change: p.Pro2508Ser; replaces proline 2508 with serine.
Molecular consequence: missense variant. On other transcripts: intron variant (1).
Genome position (GRCh38, 1-based): chr8:60,856,802, C>T. VCF-style: chr8-60856802-C-T. GRCh37 (hg19) VCF-style: chr8-61769361-C-T.
Other names: c.1717-5427C>T (NM_001316690.1); short protein forms P2508S.
Identifiers: ClinVar variation 846787 (VCV000846787.9), dbSNP rs1805738363, ClinGen allele CA371302212.

ClinVar aggregate classification (germline): Uncertain significance (1 of 4 stars; one submission).

Conditions:
CHARGE syndrome (CHARGE). Also called: CHARGE ASSOCIATION--COLOBOMA, HEART ANOMALY, CHOANAL ATRESIA, RETARDATION, GENITAL AND EAR ANOMALIES; Coloboma, heart anomaly, choanal atresia, retardation, genital and ear anomalies; CHARGE association; Hall-Hittner syndrome; Hittner Hirsch Kreh syndrome. Identifiers: Orphanet 138, MedGen C0265354, MONDO:0008965.

Submission:

Labcorp Genetics (formerly Invitae), Labcorp
Classification: Uncertain significance for CHARGE syndrome. Last evaluated: 2019-11-18. Review status: criteria provided, single submitter. Criteria: Invitae Variant Classification Sherloc (09022015). Collection method: clinical testing. Allele origin: germline.
Comment: In summary, the available evidence is currently insufficient to determine the role of this variant in disease. Therefore, it has been classified as a Variant of Uncertain Significance. Algorithms developed to predict the effect of missense changes on protein structure and function are either unavailable or do not agree on the potential impact of this missense change (SIFT: "Deleterious"; PolyPhen-2: "Benign"; Align-GVGD: "Class C65"). This variant has not been reported in the literature in individuals with CHD7-related conditions. This variant is not present in population databases (ExAC no frequency). This sequence change replaces proline with serine at codon 2508 of the CHD7 protein (p.Pro2508Ser). The proline residue is highly conserved and there is a moderate physicochemical difference between proline and serine.